The following is an entry in ClinVar:

ClinVar aggregate classification (germline): Conflicting classifications of pathogenicity. Review status: criteria provided, conflicting classifications (1 of 4 stars). 2 submissions from 2 submitters: Uncertain significance (1); Likely benign (1). Last evaluated 2025-05-05.

Conditions:
TNC-related disorder. Also called: TNC-related condition.

Allele frequency attached by ClinVar (database versions not stated): gnomAD 0.00001 and 0.00004; TOPMed 0.00002; ExAC 0.00007; 1000 Genomes Project 0.00060; 1000 Genomes Project 30x 0.00078.
gnomAD v4.1: 62 of 1,614,224 alleles (0.0038%); highest among the groups gnomAD compares: South Asian, 0.053%; no homozygotes.

Submissions (2):

PreventionGenetics, part of Exact Sciences
Classification: Uncertain significance for TNC-related condition. Last evaluated: 2025-05-05. Review status: criteria provided, single submitter. Criteria: ACMG Guidelines, 2015. Collection method: clinical testing. Allele origin: germline.
Comment: The TNC c.1477G>A variant is predicted to result in the amino acid substitution p.Gly493Arg. To our knowledge, this variant has not been reported in the literature. This variant is reported in 0.049% of alleles in individuals of South Asian descent in gnomAD. Although we suspect that this variant may be benign, at this time, the clinical significance of this variant is uncertain due to the absence of conclusive functional and genetic evidence.

Athena Diagnostics
Classification: Likely benign. Last evaluated: 2019-12-06. Review status: criteria provided, single submitter. Criteria: Athena Diagnostics Criteria. Collection method: clinical testing. Allele origin: unknown.

NM_002160.4(TNC):c.1477G>A (p.Gly493Arg)

Gene: TNC (tenascin C; minus strand). Cytogenetic location: 9q33.1.
Variant type: single nucleotide variant.
Coding change: c.1477G>A on transcript NM_002160.4 (MANE Select); coding-DNA position 1477, G replaced by A.
Protein change: p.Gly493Arg; replaces glycine 493 with arginine.
Molecular consequence: missense variant.
Genome position (GRCh38, 1-based): chr9:115,086,254, C>T on the plus strand (G>A on the coding strand, the complement: TNC is on the minus strand). VCF-style: chr9-115086254-C-T. GRCh37 (hg19) VCF-style: chr9-117848533-C-T.
Other names: short protein forms G493R.
Identifiers: ClinVar variation 994553 (VCV000994553.3), dbSNP rs542499079, ClinGen allele CA5208807.